The following is an entry in ClinVar:

NM_020800.3(IFT80):c.370+6T>C

Genes: IFT80 (intraflagellar transport 80; minus strand), TRIM59-IFT80 (TRIM59-IFT80 readthrough (NMD candidate); minus strand). Cytogenetic location: 3q25.33.
Variant type: single nucleotide variant.
Coding change: c.370+6T>C on transcript NM_020800.3 (MANE Select); 6 bases into the intron after coding-DNA position 370, T replaced by C.
Molecular consequence: intron variant.
Genome position (GRCh38, 1-based): chr3:160,377,424, A>G on the plus strand (T>C on the coding strand, the complement: IFT80 is on the minus strand). VCF-style: chr3-160377424-A-G. GRCh37 (hg19) VCF-style: chr3-160095212-A-G.
Other names: c.-42+6T>C (NM_001190241.2, NM_001190242.2).
Identifiers: ClinVar variation 343981 (VCV000343981.10), dbSNP rs754136912, ClinGen allele CA2685518.

ClinVar aggregate classification (germline): Uncertain significance. Review status: criteria provided, multiple submitters, no conflicts (2 of 4 stars). 3 submissions from 3 submitters: Uncertain significance (3). Last evaluated 2024-06-21.

Conditions:
Jeune thoracic dystrophy. Also called: Jeune syndrome; Infantile thoracic dystrophy; Thoracic pelvic phalangeal dystrophy; Jeune's syndrome; Chondroectodermal dysplasia-like syndrome; Short-rib thoracic dysplasia. Identifiers: Orphanet 474, MedGen C0265275, MONDO:0018770.
Asphyxiating thoracic dystrophy 2 (SRTD2). Also called: SHORT-RIB THORACIC DYSPLASIA 2 WITH OR WITHOUT POLYDACTYLY; SHORT-RIB THORACIC DYSPLASIA 2 WITH POLYDACTYLY; SHORT-RIB THORACIC DYSPLASIA 2 WITHOUT POLYDACTYLY. Identifiers: Orphanet 474, MedGen C1970005, MONDO:0012644, OMIM 611263.

Allele frequency attached by ClinVar (database versions not stated): ExAC 0.00002; gnomAD 0.00003; gnomAD exomes 0.00003; TOPMed 0.00003.
gnomAD v4.1: 33 of 1,491,722 alleles (0.0022%); highest among the groups gnomAD compares: Non-Finnish European, 0.0029%; no homozygotes.

Submissions (3):

Fulgent Genetics
Classification: Uncertain significance for Asphyxiating thoracic dystrophy 2. Last evaluated: 2024-06-21. Review status: criteria provided, single submitter. Criteria: ACMG Guidelines, 2015. Collection method: clinical testing. Allele origin: germline.

Labcorp Genetics (formerly Invitae), Labcorp
Classification: Uncertain significance for Jeune thoracic dystrophy. Last evaluated: 2022-08-22. Review status: criteria provided, single submitter. Criteria: Invitae Variant Classification Sherloc (09022015). Collection method: clinical testing. Allele origin: germline.
Comment: This sequence change falls in intron 4 of the IFT80 gene. It does not directly change the encoded amino acid sequence of the IFT80 protein. It affects a nucleotide within the consensus splice site. This variant is present in population databases (rs754136912, gnomAD 0.006%). This variant has not been reported in the literature in individuals affected with IFT80-related conditions. ClinVar contains an entry for this variant (Variation ID: 343981). Variants that disrupt the consensus splice site are a relatively common cause of aberrant splicing (PMID: 17576681, 9536098). Algorithms developed to predict the effect of sequence changes on RNA splicing suggest that this variant is not likely to affect RNA splicing. In summary, the available evidence is currently insufficient to determine the role of this variant in disease. Therefore, it has been classified as a Variant of Uncertain Significance.

Illumina Laboratory Services, Illumina
Classification: Uncertain significance for Asphyxiating thoracic dystrophy 2. Last evaluated: 2018-01-13. Review status: criteria provided, single submitter. Criteria: ICSL Variant Classification Criteria 13 December 2019. Collection method: clinical testing. Allele origin: germline.

Literature cited by the submitters: PubMed 17576681 (cited by Labcorp Genetics (formerly Invitae), Labcorp); PubMed 9536098 (cited by Labcorp Genetics (formerly Invitae), Labcorp).